The following is an entry in ClinVar:

NM_000321.3(RB1):c.-83A>G

Gene: RB1 (RB transcriptional corepressor 1; plus strand). Cytogenetic location: 13q14.2.
Variant type: single nucleotide variant.
Coding change: c.-83A>G on transcript NM_000321.3 (MANE Select); 83 bases upstream of the start codon, A replaced by G.
Molecular consequence: 5 prime UTR variant.
Genome position (GRCh38, 1-based): chr13:48,303,830, A>G. VCF-style: chr13-48303830-A-G. GRCh37 (hg19) VCF-style: chr13-48877966-A-G.
Other names: c.-83A>G (NM_001407165.1, NM_001407166.1, NM_001407167.1).
Identifiers: ClinVar variation 4760166 (VCV004760166.1).

ClinVar aggregate classification (germline): Uncertain significance (1 of 4 stars; one submission).

Conditions:
Retinoblastoma (RB1). Also called: RETINOBLASTOMA, SOMATIC. Identifiers: Orphanet 790, MedGen C0035335, MeSH D012175, MONDO:0008380, OMIM 180200, HP:0009919. Disease mechanism: loss of function. Inheritance: Both sporadic and heritable forms are tested..

gnomAD v4.1: 1 of 1,481,966 alleles (0.000067%); highest among the groups gnomAD compares: African/African-American, 0.0015%; no homozygotes.

Submission:

Labcorp Genetics (formerly Invitae), Labcorp
Classification: Uncertain significance for Retinoblastoma. Last evaluated: 2025-07-18. Review status: criteria provided, single submitter. Criteria: Invitae Variant Classification Sherloc (09022015). Collection method: clinical testing. Allele origin: germline.
Comment: This variant occurs in a non-coding region of the RB1 gene. It does not change the encoded amino acid sequence of the RB1 protein. This variant is not present in population databases (gnomAD no frequency). This variant has not been reported in the literature in individuals affected with RB1-related conditions. In summary, the available evidence is currently insufficient to determine the role of this variant in disease. Therefore, it has been classified as a Variant of Uncertain Significance.